The following is an entry in ClinVar:

ClinVar aggregate classification (germline): Uncertain significance (1 of 4 stars; one submission).

Allele frequency attached by ClinVar (database versions not stated): TOPMed below 0.00001.
gnomAD v4.1: 6 of 1,612,924 alleles (0.00037%); highest among the groups gnomAD compares: Non-Finnish European, 0.00051%; no homozygotes.

Submission:

Labcorp Genetics (formerly Invitae), Labcorp
Classification: Uncertain significance. Last evaluated: 2022-10-13. Review status: criteria provided, single submitter. Criteria: Invitae Variant Classification Sherloc (09022015). Collection method: clinical testing. Allele origin: germline.
Comment: This sequence change replaces aspartic acid, which is acidic and polar, with tyrosine, which is neutral and polar, at codon 490 of the PLOD2 protein (p.Asp490Tyr). In summary, the available evidence is currently insufficient to determine the role of this variant in disease. Therefore, it has been classified as a Variant of Uncertain Significance. Algorithms developed to predict the effect of missense changes on protein structure and function (SIFT, PolyPhen-2, Align-GVGD) all suggest that this variant is likely to be disruptive. This variant has not been reported in the literature in individuals affected with PLOD2-related conditions. This variant is not present in population databases (gnomAD no frequency).

NM_182943.3(PLOD2):c.1468G>T (p.Asp490Tyr)

Gene: PLOD2 (procollagen-lysine,2-oxoglutarate 5-dioxygenase 2; minus strand). Cytogenetic location: 3q24.
Variant type: single nucleotide variant.
Coding change: c.1468G>T on transcript NM_182943.3 (MANE Select); coding-DNA position 1468, G replaced by T.
Protein change: p.Asp490Tyr; replaces aspartic acid 490 with tyrosine.
Molecular consequence: missense variant.
Genome position (GRCh38, 1-based): chr3:146,079,148, C>A on the plus strand (G>T on the coding strand, the complement: PLOD2 is on the minus strand). VCF-style: chr3-146079148-C-A. GRCh37 (hg19) VCF-style: chr3-145796935-C-A.
Other names: c.1468G>T, p.Asp490Tyr (NM_000935.3); short protein forms D490Y.
Identifiers: ClinVar variation 1932163 (VCV001932163.5), dbSNP rs1163531929, ClinGen allele CA354888306.